The following is an entry in ClinVar:

NM_000143.4(FH):c.434C>T (p.Ser145Leu)

Gene: FH (fumarate hydratase; minus strand). Cytogenetic location: 1q43.
Variant type: single nucleotide variant.
Coding change: c.434C>T on transcript NM_000143.4 (MANE Select); coding-DNA position 434, C replaced by T.
Protein change: p.Ser145Leu; replaces serine 145 with leucine.
Molecular consequence: missense variant.
Genome position (GRCh38, 1-based): chr1:241,512,088, G>A on the plus strand (C>T on the coding strand, the complement: FH is on the minus strand). VCF-style: chr1-241512088-G-A. GRCh37 (hg19) VCF-style: chr1-241675388-G-A.
Other names: p.Ser145Leu; c.434C>T (NM_000143.3); short protein forms S145L.
Identifiers: ClinVar variation 1011595 (VCV001011595.10), dbSNP rs1573885482, ClinGen allele CA345440111.
Genomic context (GRCh38, chr1:241,512,088, plus strand): 5'-AACATTTCAATTGCTCTATTGCTAATGACTTCATTTACATTCATATTTGTCTGAGTTCCT[G>A]ATCCAGTCTGCCATACCACGAGAGGAAAATGATCATTTAATTTACCTTCAGCTACCTGCA-3'
Protein context (NP_000134.2, residues 135-155): HFPLVVWQTG[Ser145Leu]GTQTNMNVNE

ClinVar aggregate classification (germline): Uncertain significance. Review status: criteria provided, multiple submitters, no conflicts (2 of 4 stars). 2 submissions from 2 submitters: Uncertain significance (2). Last evaluated 2025-11-20.

Submissions (2):

Mayo Clinic Laboratories, Mayo Clinic
Classification: Uncertain significance. Last evaluated: 2025-11-20. Review status: criteria provided, single submitter. Criteria: ACMG Guidelines, 2015. Collection method: clinical testing. Allele origin: germline. Observed: 1 variant allele.
Comment: PP3_strong, PM2_supporting

Labcorp Genetics (formerly Invitae), Labcorp
Classification: Uncertain significance. Last evaluated: 2020-03-24. Review status: criteria provided, single submitter. Criteria: Invitae Variant Classification Sherloc (09022015). Collection method: clinical testing. Allele origin: germline.
Comment: In summary, the available evidence is currently insufficient to determine the role of this variant in disease. Therefore, it has been classified as a Variant of Uncertain Significance. Algorithms developed to predict the effect of missense changes on protein structure and function (SIFT, PolyPhen-2, Align-GVGD) all suggest that this variant is likely to be disruptive, but these predictions have not been confirmed by published functional studies and their clinical significance is uncertain. This variant has not been reported in the literature in individuals with FH-related conditions. This variant is not present in population databases (ExAC no frequency). This sequence change replaces serine with leucine at codon 145 of the FH protein (p.Ser145Leu). The serine residue is highly conserved and there is a large physicochemical difference between serine and leucine.

Literature cited by the submitters: PubMed 39613564 (cited by Mayo Clinic Laboratories, Mayo Clinic).